The following is an entry in ClinVar:

ClinVar aggregate classification (germline): Uncertain significance (1 of 4 stars; one submission).

Conditions:
Joubert syndrome 21 (JBTS21). Identifiers: MedGen C3810212, MONDO:0014288, OMIM 615636.

Allele frequency attached by ClinVar (database versions not stated): gnomAD exomes below 0.00001; TOPMed 0.00002; gnomAD 0.00001.
gnomAD v4.1: 7 of 1,614,084 alleles (0.00043%); highest among the groups gnomAD compares: Non-Finnish European, 0.00059%; no homozygotes.

Submission:

Labcorp Genetics (formerly Invitae), Labcorp
Classification: Uncertain significance for Joubert syndrome 21. Last evaluated: 2021-06-05. Review status: criteria provided, single submitter. Criteria: Invitae Variant Classification Sherloc (09022015). Collection method: clinical testing. Allele origin: germline.
Comment: This sequence change creates a premature translational stop signal (p.Gln1202*) in the CSPP1 gene. While this is not anticipated to result in nonsense mediated decay, it is expected to disrupt the last 20 amino acid(s) of the CSPP1 protein. This variant is not present in population databases (ExAC no frequency). This variant has not been reported in the literature in individuals with CSPP1-related conditions. Experimental studies and prediction algorithms are not available or were not evaluated, and the functional significance of this variant is currently unknown. In summary, the available evidence is currently insufficient to determine the role of this variant in disease. Therefore, it has been classified as a Variant of Uncertain Significance.

NM_001382391.1(CSPP1):c.3619C>T (p.Gln1207Ter)

Genes: ARFGEF1 (ARF guanine nucleotide exchange factor 1; minus strand), CSPP1 (centrosome and spindle pole associated protein 1; plus strand). Cytogenetic location: 8q13.2.
Variant type: single nucleotide variant.
Coding change: c.3619C>T on transcript NM_001382391.1 (MANE Select); coding-DNA position 3619, C replaced by T.
Protein change: p.Gln1207Ter; replaces glutamine 1207 with a stop codon.
Molecular consequence: nonsense. On other transcripts: 3 prime UTR variant (1), intron variant (2).
Genome position (GRCh38, 1-based): chr8:67,195,531, C>T. VCF-style: chr8-67195531-C-T. GRCh37 (hg19) VCF-style: chr8-68107766-C-T.
Other names: c.2569C>T, p.Gln857Ter (NM_001291339.2); c.3538C>T, p.Gln1180Ter (NM_001363131.2); c.3424C>T, p.Gln1142Ter (NM_001363132.2); c.3343C>T, p.Gln1115Ter (NM_001363133.2); c.3685C>T, p.Gln1229Ter (NM_001364869.1); c.3505C>T, p.Gln1169Ter (NM_001364870.1); c.3451C>T, p.Gln1151Ter (NM_001438330.1); c.*111C>T (NM_001438331.1); and 4 more; short protein forms Q1115*, Q1142*, Q1169*, Q1180*, Q1229*, Q857*, Q1207*, Q1202*.
Identifiers: ClinVar variation 1354665 (VCV001354665.3), dbSNP rs936435444, ClinGen allele CA178219989.